The following is an entry in ClinVar:

NM_000059.4(BRCA2):c.1379del (p.Asn460fs)

Gene: BRCA2 (BRCA2 DNA repair associated; plus strand). Cytogenetic location: 13q13.1.
Variant type: Deletion.
Coding change: c.1379del on transcript NM_000059.4 (MANE Select); coding-DNA position 1379, one base deleted (A; older notation c.1379delA).
Protein change: p.Asn460fs; shifts the reading frame from asparagine 460.
Molecular consequence: frameshift variant.
Genome position (GRCh38, 1-based): chr13:32,332,857, A deleted; the last of 3 consecutive A bases (chr13:32,332,855-32,332,857); deleting any one gives the same sequence. VCF-style (leftmost placement, unchanged base first): chr13-32332854-TA-T. GRCh37 (hg19) VCF-style: chr13-32906991-TA-T.
Other names: c.1379delA (NM_000059.3); short protein forms N460fs.
Identifiers: ClinVar variation 419547 (VCV000419547.4), dbSNP rs1064793945, ClinGen allele CA16619658.

ClinVar aggregate classification (germline): Pathogenic. Review status: reviewed by expert panel (3 of 4 stars). 4 submissions from 4 submitters: Pathogenic (1). 3 of the submissions do not count toward it. Last evaluated 2017-12-15.

Conditions:
Hereditary cancer-predisposing syndrome. Also called: Hereditary neoplastic syndrome; Hereditary Cancer Syndrome; Neoplastic Syndromes, Hereditary; Tumor predisposition. Identifiers: Orphanet 140162, MedGen C0027672, MeSH D009386, MONDO:0015356.
Breast-ovarian cancer, familial, susceptibility to, 2 (BROVCA2). Also called: BRCA2 Hereditary Breast and Ovarian Cancer. Identifiers: Orphanet 145, MedGen C2675520, MONDO:0012933, OMIM 612555. Disease mechanism: loss of function.
Hereditary breast ovarian cancer syndrome. Also called: Hereditary breast and ovarian cancer syndrome; BRCA1- and BRCA2-Associated Hereditary Breast and Ovarian Cancer; Hereditary breast and/or ovarian cancer syndrome; Hereditary breast and ovarian cancer; Breast and ovarian cancer; Hereditary breast and ovarian cancer syndrome (HBOC). Identifiers: Orphanet 145, MedGen C0677776, MeSH D061325, MONDO:0003582. Disease mechanism: loss of function.

Submissions (4):

Evidence-based Network for the Interpretation of Germline Mutant Alleles (ENIGMA)
Classification: Pathogenic for Breast-ovarian cancer, familial, susceptibility to, 2. Last evaluated: 2017-12-15. Review status: reviewed by expert panel. Criteria: ENIGMA BRCA1/2 Classification Criteria (2017-06-29). Collection method: curation. Allele origin: germline. Study: ENIGMA.
Comment: Variant allele predicted to encode a truncated non-functional protein.

Ambry Genetics
Classification: Pathogenic for Hereditary cancer-predisposing syndrome. Last evaluated: 2020-09-30. Review status: criteria provided, single submitter. Criteria: Ambry Variant Classification Scheme 2023. Collection method: clinical testing. Allele origin: germline. Not counted in ClinVar's aggregate classification.
Comment: The c.1379delA pathogenic mutation, located in coding exon 9 of the BRCA2 gene, results from a deletion of one nucleotide at nucleotide position 1379, causing a translational frameshift with a predicted alternate stop codon (p.N460Mfs*6). This alteration was identified in a large, worldwide study of BRCA1/2 mutation positive families (Rebbeck TR et al. Hum. Mutat., 2018 05;39:593-620). This alteration is expected to result in loss of function by premature protein truncation or nonsense-mediated mRNA decay. As such, this alteration is interpreted as a disease-causing mutation.

Women's Health and Genetics/Laboratory Corporation of America, LabCorp
Classification: Likely pathogenic for Hereditary breast ovarian cancer syndrome. Last evaluated: 2016-01-08. Review status: criteria provided, single submitter. Criteria: LabCorp Variant Classification Summary - May 2015. Collection method: clinical testing. Allele origin: germline. Not counted in ClinVar's aggregate classification.
Comment: Variant summary: The c.1379delA variant results in a premature termination codon, predicted to cause a truncated or absent BRCA2 protein, which is a commonly known mechanism for disease. Truncations downstream of this position have been classified as pathogenic by our laboratory (e.g.c.1496_1497delAG, c.1767_1770delGTTT). One in-silico tool predicts damaging outcome for this variant. This variant is not found in 120672 control chromosomes. The variant of interest has not, to our knowledge, been reported in affected individuals via publications and/or reputable databases/clinical laboratories; nor evaluated for functional impact by in vivo/vitro studies. Taken together, this variant was classified as likely pathogenic.

GeneDx
Classification: Pathogenic. Last evaluated: 2015-07-21. Review status: criteria provided, single submitter. Criteria: GeneDx Variant Classification (06012015). Collection method: clinical testing. Allele origin: germline. Affected: yes. Not counted in ClinVar's aggregate classification.
Comment: This deletion of one nucleotide in BRCA2 is denoted c.1379delA at the cDNA level and p.Asn460MetfsX6 (N460MfsX6) at the protein level. The normal sequence, with the base that is deleted in braces, is TTAA[A]TGAG. The deletion causes a frameshift, which changes an Asparagine to a Methionine at codon 460, and creates a premature stop codon at position 6 of the new reading frame. Although this variant has not, to our knowledge, been reported in the literature, it is predicted to cause loss of normal protein function through either protein truncation or nonsense-mediated mRNA decay. we consider this variant to be pathogenic.

Literature cited by the submitters: PubMed 29446198 (cited by Ambry Genetics).